The following is an entry in ClinVar:

ClinVar aggregate classification (germline): Pathogenic/Likely pathogenic. Review status: criteria provided, multiple submitters, no conflicts (2 of 4 stars). 9 submissions from 9 submitters: Pathogenic (5); Likely pathogenic (4). Last evaluated 2025-07-17.

Conditions:
GNPTAB-mucolipidosis. Also called: UDP-N-acetylglucosamine-1-phosphotransferase subunit alpha/beta deficiency. Identifiers: MedGen CN322573, MONDO:0100122.
GNPTAB-Related Disorders. Also called: GNPTAB-related disorder; GNPTAB-related condition. Identifiers: MedGen CN381523.
Mucolipidosis. Also called: Mucolipidoses. Identifiers: Orphanet 79212, MedGen C0026697, MONDO:0019248.
Mucolipidosis type II. Also called: ML II ALPHA/BETA; Mucolipidosis 2; ML 2; Inclusion cell disease; Leroy Disease; N-acetylglucosamine 1phosphotransferase deficiency. Identifiers: Orphanet 576, MedGen C2673377, MONDO:0009650, OMIM 252500.
Pseudo-Hurler polydystrophy. Also called: ML III; ML III ALPHA/BETA; Mucolipidosis III Alpha/Beta; Type III Mucolipidosis; ML IIIA; MUCOLIPIDOSIS IIIA. Identifiers: Orphanet 423461, Orphanet 577, MedGen C0033788, MONDO:0018931, OMIM 252600.

Allele frequency attached by ClinVar (database versions not stated): TOPMed 0.00001; gnomAD 0.00001; gnomAD exomes below 0.00001; ExAC 0.00001.

Submissions (9):

Natera, Inc.
Classification: Likely pathogenic for Mucolipidosis type II. Last evaluated: 2025-07-17. Review status: criteria provided, single submitter. Criteria: Natera Variant Classification Schema (03/2026). Collection method: clinical testing. Allele origin: germline.
Comment: The c.2956C>T variant in GNPTAB is a missense variant predicted to cause substitution of arginine to cysteine at amino acid 986. This variant is rare in the general population with a frequency below the threshold expected for the associated phenotype(s). This variant has been observed in one or more individuals affected with the associated recessive disease, as either homozygous or compound heterozygous with a second variant (PMID: 22495880, 24798265, 33000604, 32651481). Functional studies show that this variant may disrupt protein function (PMID: 31579991). Computational prediction algorithms indicate this variant is likely to affect gene or protein function. Given the available evidence, this variant is classified as Likely Pathogenic.

Rady Children's Institute for Genomic Medicine, Rady Children's Hospital San Diego
Classification: Pathogenic for GNPTAB-related disorders. Last evaluated: 2025-06-02. Review status: criteria provided, single submitter. Criteria: ACMG Guidelines, 2015. Collection method: clinical testing. Allele origin: germline. Affected: yes.
Comment: The c.2956C>T (p.Arg986Cys) variant affects a highly conserved amino acid and is predicted by multiple in silico tools to have a deleterious effect on protein function. This variant has been previously reported as a compound heterozygous and homozygous change in patients with mucolipidosis type II (MLII) and mucolipidosis III alpha/beta (ML III) (PMID: 22495880, 24798265, 32651481, 33000604). Different amino acid changes at the same residue (p.Arg986His and p.Arg986Gly) have been previously reported in individuals with MLII and ML III (PMID: 32651481, 30882951). Functional studies indicate this variant may lead to reduced alpha-MM and GlcNAc-1-phosphotransferase activity (PMID: 31579991, 25505245). The c.2956C>T (p.Arg986Cys) variant is present in the latest version of the gnomAD population database at an allele frequency of 0.0006% (10/1613912), and is absent in the homozygous state, thus is presumed to be rare. Based on the available evidence, c.2956C>T (p.Arg986Cys) is classified as Pathogenic.

Equipe Genetique des Anomalies du Developpement, Université de Bourgogne
Classification: Pathogenic for Mucolipidosis type II. Last evaluated: 2025-03-14. Review status: criteria provided, single submitter. Criteria: ACMG Guidelines, 2015. Collection method: clinical testing. Allele origin: maternal. Affected: yes.
Comment: The c.2956C>T missense variant is predicted to subsitute arginine with cysteine. This variant impacts an amino acid that is conserved in vertebrates and is situated in a functional domain (Stealth_CR3). In silico prediction scores are in favour of a damaging effect. It is absent in a homozygous state in gnomAD (v4.1.0) and has previously been reported as likely pathogenic and pathogenic in ClinVar (VCV000397568.14).This variant was present in a compound heterozygous state. Pathogenic biallelic variants in the GNPTAB gene are responsible for type 2 and type 3 alpha/beta mucolipidosis (OMIM #252500, OMIM #252600) of autosomal recessive inheritance. According to the available evidence, this variant is considered to be pathogenic.

Fulgent Genetics
Classification: Likely pathogenic for Mucolipidosis type II; Pseudo-Hurler polydystrophy. Last evaluated: 2024-04-09. Review status: criteria provided, single submitter. Criteria: ACMG Guidelines, 2015. Collection method: clinical testing. Allele origin: germline.

Labcorp Genetics (formerly Invitae), Labcorp
Classification: Pathogenic for Pseudo-Hurler polydystrophy; Mucolipidosis type II. Last evaluated: 2023-08-18. Review status: criteria provided, single submitter. Criteria: Invitae Variant Classification Sherloc (09022015). Collection method: clinical testing. Allele origin: germline.
Comment: ClinVar contains an entry for this variant (Variation ID: 397568). This sequence change replaces arginine, which is basic and polar, with cysteine, which is neutral and slightly polar, at codon 986 of the GNPTAB protein (p.Arg986Cys). This variant is present in population databases (rs769587233, gnomAD 0.006%). This missense change has been observed in individual(s) with GNPTAB-related conditions (PMID: 22495880, 32651481, 33000604; Invitae). In at least one individual the data is consistent with being in trans (on the opposite chromosome) from a pathogenic variant. Advanced modeling of protein sequence and biophysical properties (such as structural, functional, and spatial information, amino acid conservation, physicochemical variation, residue mobility, and thermodynamic stability) performed at Invitae indicates that this missense variant is expected to disrupt GNPTAB protein function. Experimental studies have shown that this missense change affects GNPTAB function (PMID: 24375680, 25505245). For these reasons, this variant has been classified as Pathogenic.

Foundation for Research in Genetics and Endocrinology, FRIGE's Institute of Human Genetics
Classification: Pathogenic for Mucolipidosis type II. Last evaluated: 2023-04-13. Review status: criteria provided, single submitter. Criteria: ACMG Guidelines, 2015. Collection method: clinical testing. Allele origin: germline. Inheritance: Autosomal recessive inheritance. Affected: yes. Observed: 1 heterozygote.
Comment: A Heterozygous variation in exon 15 of the GNPTAB was detected. The observed variant c.2956C>T has not been reported in the 1000 genomes and has a MAF of 0.0004% databases. The in silico prediction of the variant are possibly damaging by PolyPhen-2 and damaging by SIFT and MutationTaster. In summary, the variant meets our criteria to be classified as pathogenic.

Women's Health and Genetics/Laboratory Corporation of America, LabCorp
Classification: Pathogenic for Mucolipidosis. Last evaluated: 2022-11-16. Review status: criteria provided, single submitter. Criteria: LabCorp Variant Classification Summary - May 2015. Collection method: clinical testing. Allele origin: germline.
Comment: Variant summary: GNPTAB c.2956C>T (p.Arg986Cys) results in a non-conservative amino acid change located in the Stealth protein CR3, conserved region 3 (IPR031357) of the encoded protein sequence. Five of five in-silico tools predict a damaging effect of the variant on protein function. The variant allele was found at a frequency of 4e-06 in 251260 control chromosomes (gnomAD). c.2956C>T has been reported in the literature as a homozygous genotype in multiple individuals affected with Mucolipidosis (Coutinho_2012, Pasumarthi_2020 and Cobos_2015). These data indicate that the variant is very likely to be associated with disease. Several publications reports experimental evidence evaluating an impact on protein function indicating that this variant results in almost abolishing the phosphotransferase activity (Qian_2015, Danyukova_2020 and DePace_2014). Three clinical diagnostic laboratories have submitted clinical-significance assessments for this variant to ClinVar after 2014 without evidence for independent evaluation. All laboratories classified the variant as likely pathogenic. Based on the evidence outlined above, the variant was classified as pathogenic.

Myriad Genetics, Inc.
Classification: Likely pathogenic for GNPTAB-mucolipidosis. Last evaluated: 2021-11-19. Review status: criteria provided, single submitter. Criteria: Myriad Autosomal Dominant, Autosomal Recessive and X-Linked Classification Criteria (2023). Collection method: clinical testing. Allele origin: unknown.
Comment: NM_024312.4(GNPTAB):c.2956C>T(R986C) is a missense variant classified as likely pathogenic in the context of GNPTAB-related disorders. R986C has been observed in cases with relevant disease (PMID: 24798265, 32651481, Carboni_2020_(no PMID; abstract)). Functional assessments of this variant are available in the literature (PMID: 31579991, 24375680, 25505245, DePace_2014_(no PMID; thesis), da_Silva_2011_(no PMID; abstract)). R986C has been observed in population frequency databases (gnomAD: EAS 0.006%). In summary, NM_024312.4(GNPTAB):c.2956C>T(R986C) is a missense variant that has functional support for pathogenicity and has been observed more frequently in cases with the relevant disease than in healthy populations. Please note: this variant was assessed in the context of healthy population screening.

Diagnostics Division, CENTRE FOR DNA FINGERPRINTING AND DIAGNOSTICS
Classification: Likely pathogenic for Mucolipidosis type II; Pseudo-Hurler polydystrophy. Last evaluated: 2016-01-01. Review status: criteria provided, single submitter. Criteria: ACMG Guidelines, 2015. Collection method: research. Allele origin: unknown. Affected: yes. Observed: 1 homozygote.
Comment: Missense variant

Literature cited by the submitters: PubMed 22495880 (cited by 4 submitters); PubMed 24798265 (cited by 3 submitters); PubMed 33000604 (cited by 3 submitters); PubMed 32651481 (cited by 4 submitters); PubMed 31579991 (cited by 3 submitters); PubMed 24375680 (cited by 3 submitters); PubMed 25505245 (cited by 3 submitters); PubMed 31130284 (cited by Women's Health and Genetics/Laboratory Corporation of America, LabCorp).

NM_024312.5(GNPTAB):c.2956C>T (p.Arg986Cys)

Gene: GNPTAB (N-acetylglucosamine-1-phosphate transferase subunits alpha and beta; minus strand). Cytogenetic location: 12q23.2.
Variant type: single nucleotide variant.
Coding change: c.2956C>T on transcript NM_024312.5 (MANE Select); coding-DNA position 2956, C replaced by T.
Protein change: p.Arg986Cys; replaces arginine 986 with cysteine.
Molecular consequence: missense variant.
Genome position (GRCh38, 1-based): chr12:101,761,306, G>A on the plus strand (C>T on the coding strand, the complement: GNPTAB is on the minus strand). VCF-style: chr12-101761306-G-A. GRCh37 (hg19) VCF-style: chr12-102155084-G-A.
Other names: p.Arg986Cys; short protein forms R986C.
Identifiers: ClinVar variation 397568 (VCV000397568.20), dbSNP rs769587233, ClinGen allele CA6746287.
Genomic context (GRCh38, chr12:101,761,306, plus strand): 5'-GCACTGCACTCATGAGATAATAAAAATAAGAGAAGGCAAACTGCATATCCTCAGAATGGC[G>A]CACTTTGTGAAATGACGTCTTGTCAAATTCTTCAGGGAACCTGTCCAAATATAACATATT-3'
Protein context (NP_077288.2, residues 976-996): EFDKTSFHKV[Arg986Cys]HSEDMQFAFS